The following is an entry in ClinVar:

NM_000124.4(ERCC6):c.1358G>A (p.Arg453Gln)

Genes: ERCC6 (ERCC excision repair 6, chromatin remodeling factor; minus strand), PGBD3 (piggyBac transposable element derived 3; minus strand). Cytogenetic location: 10q11.23.
Variant type: single nucleotide variant.
Coding change: c.1358G>A on transcript NM_000124.4 (MANE Select); coding-DNA position 1358, G replaced by A.
Protein change: p.Arg453Gln; replaces arginine 453 with glutamine.
Molecular consequence: missense variant. On other transcripts: 5 prime UTR variant (1).
Genome position (GRCh38, 1-based): chr10:49,524,072, C>T on the plus strand (G>A on the coding strand, the complement: ERCC6 is on the minus strand). VCF-style: chr10-49524072-C-T. GRCh37 (hg19) VCF-style: chr10-50732118-C-T.
Other names: c.1358G>A, p.Arg453Gln (NM_001277058.2, NM_001277059.2, NM_001346440.2); c.-47G>A (NM_170753.3); short protein forms R453Q.
Identifiers: ClinVar variation 2173293 (VCV002173293.2), dbSNP rs776149423, ClinGen allele CA5496341.
Genomic context (GRCh38, chr10:49,524,072, plus strand): 5'-TTATAATCCCCACAGACCGACCTTAACCGCTGCTTATAATAATCTTCATCTCCATCATCT[C>T]GGTATCTTCCCACTTTCCGACCTCCTCCTCCTCCTTCTCCTACAGAAGCAGCTTCAGCTT-3'
Protein context (NP_000115.1, residues 443-463): GGGGRKVGRY[Arg453Gln]DDGDEDYYKQ

ClinVar aggregate classification (germline): Uncertain significance. Review status: criteria provided, multiple submitters, no conflicts (2 of 4 stars). 2 submissions from 2 submitters: Uncertain significance (2). Last evaluated 2025-08-20.

Conditions:
Inborn genetic diseases. Identifiers: MedGen C0950123, MeSH D030342.

Allele frequency attached by ClinVar (database versions not stated): gnomAD exomes below 0.00001; ExAC 0.00001; TOPMed 0.00001.
gnomAD v4.1: 3 of 1,613,820 alleles (0.00019%); highest among the groups gnomAD compares: Admixed American, 0.0017%; no homozygotes.

Submissions (2):

Ambry Genetics
Classification: Uncertain significance for Inborn genetic diseases. Last evaluated: 2025-08-20. Review status: criteria provided, single submitter. Criteria: Ambry Variant Classification Scheme 2023. Collection method: clinical testing. Allele origin: germline.

Labcorp Genetics (formerly Invitae), Labcorp
Classification: Uncertain significance. Last evaluated: 2022-06-30. Review status: criteria provided, single submitter. Criteria: Invitae Variant Classification Sherloc (09022015). Collection method: clinical testing. Allele origin: germline.
Comment: This sequence change replaces arginine, which is basic and polar, with glutamine, which is neutral and polar, at codon 453 of the ERCC6 protein (p.Arg453Gln). The frequency data for this variant in the population databases is considered unreliable, as metrics indicate poor data quality at this position in the gnomAD database. This variant has not been reported in the literature in individuals affected with ERCC6-related conditions. Algorithms developed to predict the effect of missense changes on protein structure and function output the following: SIFT: "Tolerated"; PolyPhen-2: "Benign"; Align-GVGD: "Class C0". The glutamine amino acid residue is found in multiple mammalian species, which suggests that this missense change does not adversely affect protein function. In summary, the available evidence is currently insufficient to determine the role of this variant in disease. Therefore, it has been classified as a Variant of Uncertain Significance.